The following is an entry in ClinVar:

ClinVar aggregate classification (germline): Uncertain significance (1 of 4 stars; one submission).

Submission:

Labcorp Genetics (formerly Invitae), Labcorp
Classification: Uncertain significance. Last evaluated: 2025-02-02. Review status: criteria provided, single submitter. Criteria: Invitae Variant Classification Sherloc (09022015). Collection method: clinical testing. Allele origin: germline.
Comment: This sequence change falls in intron 15 of the POLE gene. It does not directly change the encoded amino acid sequence of the POLE protein. This variant is present in population databases (no rsID available, gnomAD 0.0009%). This variant has not been reported in the literature in individuals affected with POLE-related conditions. ClinVar contains an entry for this variant (Variation ID: 2200962). In summary, the available evidence is currently insufficient to determine the role of this variant in disease. Therefore, it has been classified as a Variant of Uncertain Significance.

NM_006231.4(POLE):c.1676_1686+14dup

Gene: POLE (DNA polymerase epsilon, catalytic subunit; minus strand). Cytogenetic location: 12q24.33.
Variant type: Duplication.
Coding change: c.1676_1686+14dup on transcript NM_006231.4 (MANE Select); coding-DNA position 1676 through 14 bases into the intron after coding-DNA position 1686, 25 bases duplicated (GGTTTAGGATGGTGTGCTTCTTCCC).
Molecular consequence: splice donor variant.
Genome position (GRCh38, 1-based): chr12:132,672,613-132,672,637, GGGAAGAAGCACACCATCCTAAACC duplicated on the plus strand (GGTTTAGGATGGTGTGCTTCTTCCC on the coding strand, the reverse complement: POLE is on the minus strand); duplicating any 25 consecutive bases within chr12:132,672,613-132,672,639 gives the same sequence; the c. name uses the placement nearest the transcript's 3' end. VCF-style (leftmost placement, unchanged base first): chr12-132672612-A-AGGGAAGAAGCACACCATCCTAAACC. GRCh37 (hg19) VCF-style: chr12-133249198-A-AGGGAAGAAGCACACCATCCTAAACC.
Identifiers: ClinVar variation 2200962 (VCV002200962.4), dbSNP rs1234924536, ClinGen allele CA608514296.
Genomic context (GRCh38, chr12:132,672,612, plus strand): 5'-TTCAGCCCCTGCAGCTTCTGGGTCCTACCACAGCACAAGAGTGGGAAGAATCTGAATCCC[A>AGGGAAGAAGCACACCATCCTAAACC]GGGAAGAAGCACACCATCCTAAACCGGCAAGGGATATCGCTGCGGAAAACCCCAGACTCG-3'